The following is an entry in ClinVar:

ClinVar aggregate classification (germline): Uncertain significance (1 of 4 stars; one submission).

Conditions:
CHARGE syndrome (CHARGE). Also called: Hittner Hirsch Kreh syndrome; CHARGE ASSOCIATION--COLOBOMA, HEART ANOMALY, CHOANAL ATRESIA, RETARDATION, GENITAL AND EAR ANOMALIES; Coloboma, heart anomaly, choanal atresia, retardation, genital and ear anomalies; CHARGE association; Hall-Hittner syndrome. Identifiers: Orphanet 138, MedGen C0265354, MONDO:0008965.

Allele frequency attached by ClinVar (database versions not stated): TOPMed below 0.00001.

Submission:

Labcorp Genetics (formerly Invitae), Labcorp
Classification: Uncertain significance for CHARGE syndrome. Last evaluated: 2023-08-04. Review status: criteria provided, single submitter. Criteria: Invitae Variant Classification Sherloc (09022015). Collection method: clinical testing. Allele origin: germline.
Comment: In summary, the available evidence is currently insufficient to determine the role of this variant in disease. Therefore, it has been classified as a Variant of Uncertain Significance. Advanced modeling of protein sequence and biophysical properties (such as structural, functional, and spatial information, amino acid conservation, physicochemical variation, residue mobility, and thermodynamic stability) performed at Invitae indicates that this missense variant is not expected to disrupt CHD7 protein function. This variant has not been reported in the literature in individuals affected with CHD7-related conditions. This variant is not present in population databases (gnomAD no frequency). This sequence change replaces serine, which is neutral and polar, with proline, which is neutral and non-polar, at codon 2040 of the CHD7 protein (p.Ser2040Pro).

NM_017780.4(CHD7):c.6118T>C (p.Ser2040Pro)

Gene: CHD7 (chromodomain helicase DNA binding protein 7; plus strand). Cytogenetic location: 8q12.2.
Variant type: single nucleotide variant.
Coding change: c.6118T>C on transcript NM_017780.4 (MANE Select); coding-DNA position 6118, T replaced by C.
Protein change: p.Ser2040Pro; replaces serine 2040 with proline.
Molecular consequence: missense variant. On other transcripts: intron variant (1).
Genome position (GRCh38, 1-based): chr8:60,852,843, T>C. VCF-style: chr8-60852843-T-C. GRCh37 (hg19) VCF-style: chr8-61765402-T-C.
Other names: c.1717-9386T>C (NM_001316690.1); short protein forms S2040P.
Identifiers: ClinVar variation 3017400 (VCV003017400.3), dbSNP rs1586445177, ClinGen allele CA371324245.